The following is an entry in ClinVar:

ClinVar aggregate classification (germline): Uncertain significance. Review status: criteria provided, multiple submitters, no conflicts (2 of 4 stars). 3 submissions from 3 submitters: Uncertain significance (3). Last evaluated 2026-02-11.

Conditions:
Hereditary cancer-predisposing syndrome. Also called: Neoplastic Syndromes, Hereditary; Tumor predisposition; Hereditary Cancer Syndrome; Hereditary neoplastic syndrome. Identifiers: Orphanet 140162, MedGen C0027672, MeSH D009386, MONDO:0015356.
DICER1-related tumor predisposition. Also called: DICER1-related pleuropulmonary blastoma cancer predisposition syndrome; DICER1 syndrome. Identifiers: Orphanet 284343, MedGen C3839822, MONDO:0100216.
Pleuropulmonary blastoma (PPB). Identifiers: Orphanet 64742, MedGen C1266144, MONDO:0011014, OMIM 601200, HP:0100528.

Allele frequency attached by ClinVar (database versions not stated): ExAC 0.00001; TOPMed 0.00001; gnomAD 0.00002; ESP Exome Variant Server 0.00008.

Submissions (3):

St. Jude Molecular Pathology, St. Jude Children's Research Hospital
Classification: Uncertain significance for Pleuropulmonary blastoma. Last evaluated: 2026-02-11. Review status: criteria provided, single submitter. Criteria: St. Jude Assertion Criteria 2020. Collection method: clinical testing. Allele origin: germline.
Comment: The DICER1 c.432G>C p.(Lys144Asn) missense change has a maximum subpopulation frequency of 0.0009% in gnomAD v2.1.1. The in silico tool REVEL predicts a benign effect on protein function, but to our knowledge this prediction has not been confirmed by functional studies. To our knowledge, this variant has not been reported in individuals with DICER1 syndrome. In summary, the evidence currently available is insufficient to determine the clinical significance of this variant. It has therefore been classified as of uncertain significance.

Labcorp Genetics (formerly Invitae), Labcorp
Classification: Uncertain significance for DICER1-related tumor predisposition. Last evaluated: 2025-11-28. Review status: criteria provided, single submitter. Criteria: Invitae Variant Classification Sherloc (09022015). Collection method: clinical testing. Allele origin: germline.
Comment: This sequence change replaces lysine, which is basic and polar, with asparagine, which is neutral and polar, at codon 144 of the DICER1 protein (p.Lys144Asn). This variant is present in population databases (rs370784723, gnomAD 0.0009%). This variant has not been reported in the literature in individuals affected with DICER1-related conditions. ClinVar contains an entry for this variant (Variation ID: 543583). Invitae Evidence Modeling of protein sequence and biophysical properties (such as structural, functional, and spatial information, amino acid conservation, physicochemical variation, residue mobility, and thermodynamic stability) indicates that this missense variant is not expected to disrupt DICER1 protein function with a negative predictive value of 95%. In summary, the available evidence is currently insufficient to determine the role of this variant in disease. Therefore, it has been classified as a Variant of Uncertain Significance.

Ambry Genetics
Classification: Uncertain significance for Hereditary cancer-predisposing syndrome. Last evaluated: 2024-12-20. Review status: criteria provided, single submitter. Criteria: Ambry Variant Classification Scheme 2023. Collection method: clinical testing. Allele origin: germline.
Comment: The p.K144N variant (also known as c.432G>C), located in coding exon 3 of the DICER1 gene, results from a G to C substitution at nucleotide position 432. The lysine at codon 144 is replaced by asparagine, an amino acid with similar properties. This amino acid position is well conserved in available vertebrate species. In addition, this alteration is predicted to be tolerated by in silico analysis. Since supporting evidence is limited at this time, the clinical significance of this alteration remains unclear.

NM_177438.3(DICER1):c.432G>C (p.Lys144Asn)

Gene: DICER1 (dicer 1, ribonuclease III; minus strand). Cytogenetic location: 14q32.13.
Variant type: single nucleotide variant.
Coding change: c.432G>C on transcript NM_177438.3 (MANE Select); coding-DNA position 432, G replaced by C.
Protein change: p.Lys144Asn; replaces lysine 144 with asparagine.
Molecular consequence: missense variant.
Genome position (GRCh38, 1-based): chr14:95,131,515, C>G on the plus strand (G>C on the coding strand, the complement: DICER1 is on the minus strand). VCF-style: chr14-95131515-C-G. GRCh37 (hg19) VCF-style: chr14-95597852-C-G.
Other names: c.432G>C, p.Lys144Asn (NM_001195573.1, NM_001271282.3, NM_001291628.2 and 1 more transcripts); short protein forms K144N.
Identifiers: ClinVar variation 543583 (VCV000543583.15), dbSNP rs370784723, ClinGen allele CA7331674.